The following is an entry in ClinVar:

NM_000814.6(GABRB3):c.862A>G (p.Thr288Ala)

Gene: GABRB3 (gamma-aminobutyric acid type A receptor subunit beta3; minus strand). Cytogenetic location: 15q12.
Variant type: single nucleotide variant.
Coding change: c.862A>G on transcript NM_000814.6 (MANE Select); coding-DNA position 862, A replaced by G.
Protein change: p.Thr288Ala; replaces threonine 288 with alanine.
Molecular consequence: missense variant.
Genome position (GRCh38, 1-based): chr15:26,561,150, T>C on the plus strand (A>G on the coding strand, the complement: GABRB3 is on the minus strand). VCF-style: chr15-26561150-T-C. GRCh37 (hg19) VCF-style: chr15-26806297-T-C.
Other names: c.607A>G, p.Thr203Ala (NM_001191320.2, NM_001278631.2); c.649A>G, p.Thr217Ala (NM_001191321.3); c.862A>G, p.Thr288Ala (NM_021912.5); short protein forms T217A, T288A, T203A.
Identifiers: ClinVar variation 807195 (VCV000807195.46), dbSNP rs1595440443, ClinGen allele CA391462325.

ClinVar aggregate classification (germline): Conflicting classifications of pathogenicity. Review status: criteria provided, conflicting classifications (1 of 4 stars). 2 submissions from 2 submitters: Likely pathogenic (1); Uncertain significance (1). Last evaluated 2022-05-28.

Conditions:
Epilepsy, childhood absence, susceptibility to, 5. Identifiers: Orphanet 64280, MedGen C2677087, MONDO:0012843, OMIM 612269.
Epilepsy, childhood absence, susceptibility to, 1. Also called: Epilepsy, childhood absence 1. Identifiers: Orphanet 64280, MedGen C1838604, MONDO:0020759, OMIM 600131.

Submissions (2):

Labcorp Genetics (formerly Invitae), Labcorp
Classification: Likely pathogenic for Epilepsy, childhood absence, susceptibility to, 5; Epilepsy, childhood absence, susceptibility to, 1. Last evaluated: 2022-05-28. Review status: criteria provided, single submitter. Criteria: Invitae Variant Classification Sherloc (09022015). Collection method: clinical testing. Allele origin: germline.
Comment: This sequence change replaces threonine, which is neutral and polar, with alanine, which is neutral and non-polar, at codon 288 of the GABRB3 protein (p.Thr288Ala). This variant is not present in population databases (gnomAD no frequency). This variant has not been reported in the literature in individuals affected with GABRB3-related conditions. ClinVar contains an entry for this variant (Variation ID: 807195). Advanced modeling of protein sequence and biophysical properties (such as structural, functional, and spatial information, amino acid conservation, physicochemical variation, residue mobility, and thermodynamic stability) performed at Invitae indicates that this missense variant is expected to disrupt GABRB3 protein function. This variant disrupts the p.Thr288 amino acid residue in GABRB3. Other variant(s) that disrupt this residue have been determined to be pathogenic (PMID: 29162865). This suggests that this residue is clinically significant, and that variants that disrupt this residue are likely to be disease-causing. In summary, the currently available evidence indicates that the variant is pathogenic, but additional data are needed to prove that conclusively. Therefore, this variant has been classified as Likely Pathogenic.

CeGaT Center for Human Genetics Tuebingen
Classification: Uncertain significance. Last evaluated: 2019-01-01. Review status: criteria provided, single submitter. Criteria: CeGaT Center For Human Genetics Tuebingen Variant Classification Criteria Version 2. Collection method: clinical testing. Allele origin: germline. Affected: yes. Observed: 1 variant allele.

Literature cited by the submitters: PubMed 29162865 (cited by Labcorp Genetics (formerly Invitae), Labcorp).